The following is an entry in ClinVar:

ClinVar aggregate classification (germline): Uncertain significance (1 of 4 stars; one submission).

Conditions:
Dilated cardiomyopathy 1W (CMD1W). Identifiers: Orphanet 154, MedGen C1969639, MONDO:0012667, OMIM 611407.

Submission:

Labcorp Genetics (formerly Invitae), Labcorp
Classification: Uncertain significance for Dilated cardiomyopathy 1W. Last evaluated: 2023-11-02. Review status: criteria provided, single submitter. Criteria: Invitae Variant Classification Sherloc (09022015). Collection method: clinical testing. Allele origin: germline.
Comment: This sequence change replaces glutamine, which is neutral and polar, with histidine, which is basic and polar, at codon 1096 of the VCL protein (p.Gln1096His). This variant is not present in population databases (gnomAD no frequency). This variant has not been reported in the literature in individuals affected with VCL-related conditions. An algorithm developed to predict the effect of missense changes on protein structure and function (PolyPhen-2) suggests that this variant is likely to be disruptive. In summary, the available evidence is currently insufficient to determine the role of this variant in disease. Therefore, it has been classified as a Variant of Uncertain Significance.

NM_014000.3(VCL):c.3288G>C (p.Gln1096His)

Gene: VCL (vinculin; plus strand). Cytogenetic location: 10q22.2.
Variant type: single nucleotide variant.
Coding change: c.3288G>C on transcript NM_014000.3 (MANE Select); coding-DNA position 3288, G replaced by C.
Protein change: p.Gln1096His; replaces glutamine 1096 with histidine.
Molecular consequence: missense variant.
Genome position (GRCh38, 1-based): chr10:74,118,052, G>C. VCF-style: chr10-74118052-G-C. GRCh37 (hg19) VCF-style: chr10-75877810-G-C.
Other names: c.3084G>C, p.Gln1028His (NM_003373.4); short protein forms Q1096H, Q1028H.
Identifiers: ClinVar variation 2807788 (VCV002807788.3), dbSNP rs2131944341, ClinGen allele CA377268577.
Genomic context (GRCh38, chr10:74,118,052, plus strand): 5'-TGGGTAACGGAAAGTACCTTTTTCCTTGCAGGCCACAGAGATGCTGGTTCACAATGCCCA[G>C]AACCTCATGCAGTCTGTGAAGGAGACTGTGCGGGAAGCTGAAGCTGCTTCAATCAAAATT-3'
Protein context (NP_054706.1, residues 1086-1106): QATEMLVHNA[Gln1096His]NLMQSVKETV